The following is an entry in ClinVar:

NM_004360.5(CDH1):c.2497T>C (p.Phe833Leu)

Gene: CDH1 (cadherin 1; plus strand). Cytogenetic location: 16q22.1.
Variant type: single nucleotide variant.
Coding change: c.2497T>C on transcript NM_004360.5 (MANE Select); coding-DNA position 2497, T replaced by C.
Protein change: p.Phe833Leu; replaces phenylalanine 833 with leucine.
Molecular consequence: missense variant.
Genome position (GRCh38, 1-based): chr16:68,833,347, T>C. VCF-style: chr16-68833347-T-C. GRCh37 (hg19) VCF-style: chr16-68867250-T-C.
Other names: c.2497T>C (LRG_301t1); c.2314T>C, p.Phe772Leu (NM_001317184.2); c.949T>C, p.Phe317Leu (NM_001317185.2); c.532T>C, p.Phe178Leu (NM_001317186.2); short protein forms F833L, F772L, F178L, F317L.
Identifiers: ClinVar variation 216594 (VCV000216594.13), dbSNP rs863224728, ClinGen allele CA336541.

ClinVar aggregate classification (germline): Uncertain significance. Review status: criteria provided, multiple submitters, no conflicts (2 of 4 stars). 2 submissions from 2 submitters: Uncertain significance (2). Last evaluated 2024-01-22.

Conditions:
Hereditary cancer-predisposing syndrome. Also called: Tumor predisposition; Hereditary Cancer Syndrome; Neoplastic Syndromes, Hereditary; Hereditary neoplastic syndrome. Identifiers: Orphanet 140162, MedGen C0027672, MeSH D009386, MONDO:0015356.
Hereditary diffuse gastric adenocarcinoma (HDGC). Also called: DIFFUSE GASTRIC AND LOBULAR BREAST CANCER SYNDROME. Identifiers: Orphanet 26106, MedGen C1708349, MONDO:0007648, OMIM 137215.

Allele frequency attached by ClinVar (database versions not stated): gnomAD exomes 0.00001.
gnomAD v4.1: 3 of 1,614,224 alleles (0.00019%); highest among the groups gnomAD compares: Non-Finnish European, 0.00025%; no homozygotes.

Submissions (2):

Ambry Genetics
Classification: Uncertain significance for Hereditary cancer-predisposing syndrome. Last evaluated: 2024-01-22. Review status: criteria provided, single submitter. Criteria: Ambry Variant Classification Scheme 2023. Collection method: clinical testing. Allele origin: germline.
Comment: The p.F833L variant (also known as c.2497T>C), located in coding exon 16 of the CDH1 gene, results from a T to C substitution at nucleotide position 2497. The phenylalanine at codon 833 is replaced by leucine, an amino acid with highly similar properties. This amino acid position is highly conserved in available vertebrate species. In addition, this alteration is predicted to be deleterious by in silico analysis. Since supporting evidence is limited at this time, the clinical significance of this alteration remains unclear.

Labcorp Genetics (formerly Invitae), Labcorp
Classification: Uncertain significance for Hereditary diffuse gastric adenocarcinoma. Last evaluated: 2019-11-23. Review status: criteria provided, single submitter. Criteria: Invitae Variant Classification Sherloc (09022015). Collection method: clinical testing. Allele origin: germline.
Comment: In summary, the available evidence is currently insufficient to determine the role of this variant in disease. Therefore, it has been classified as a Variant of Uncertain Significance. Algorithms developed to predict the effect of missense changes on protein structure and function are either unavailable or do not agree on the potential impact of this missense change (SIFT: "Deleterious"; PolyPhen-2: "Probably Damaging"; Align-GVGD: "Class C0"). This variant has not been reported in the literature in individuals with CDH1-related conditions. ClinVar contains an entry for this variant (Variation ID: 216594). This variant is not present in population databases (ExAC no frequency). This sequence change replaces phenylalanine with leucine at codon 833 of the CDH1 protein (p.Phe833Leu). The phenylalanine residue is highly conserved and there is a small physicochemical difference between phenylalanine and leucine.